The following is an entry in ClinVar:

NM_032043.3(BRIP1):c.3178G>A (p.Val1060Ile)

Gene: BRIP1 (BRCA1 interacting DNA helicase 1; minus strand). Cytogenetic location: 17q23.2.
Variant type: single nucleotide variant.
Coding change: c.3178G>A on transcript NM_032043.3 (MANE Select); coding-DNA position 3178, G replaced by A.
Protein change: p.Val1060Ile; replaces valine 1060 with isoleucine.
Molecular consequence: missense variant.
Genome position (GRCh38, 1-based): chr17:61,683,868, C>T on the plus strand (G>A on the coding strand, the complement: BRIP1 is on the minus strand). VCF-style: chr17-61683868-C-T. GRCh37 (hg19) VCF-style: chr17-59761229-C-T.
Other names: short protein forms V1060I.
Identifiers: ClinVar variation 461140 (VCV000461140.32), dbSNP rs149016505, ClinGen allele CA292267465.
Genomic context (GRCh38, chr17:61,683,868, plus strand): 5'-CAATCTTTAATGATGAAATAATGGTTTCTGATTGAGGGCATGATCCAAACGATGTGTTTA[C>T]TGTCAGATTTGAGGATTCACATTTATCAGTGAAGGGCAAAACAGTTTTACTTTCCATCTT-3'
Protein context (NP_114432.2, residues 1050-1070): TDKCESSNLT[Val1060Ile]NTSFGSCPQS

ClinVar aggregate classification (germline): Uncertain significance. Review status: criteria provided, multiple submitters, no conflicts (2 of 4 stars). 9 submissions from 9 submitters: Uncertain significance (9). Last evaluated 2025-07-16.

Conditions:
Hereditary cancer-predisposing syndrome. Also called: Hereditary neoplastic syndrome; Neoplastic Syndromes, Hereditary; Tumor predisposition; Hereditary Cancer Syndrome. Identifiers: Orphanet 140162, MedGen C0027672, MeSH D009386, MONDO:0015356.
Fanconi anemia complementation group J. Also called: BRIP1-Related Fanconi Anemia. Identifiers: Orphanet 84, MedGen C1836860, MONDO:0012187, OMIM 609054.
Familial cancer of breast. Also called: BREAST CANCER, FAMILIAL; hereditary breast carcinoma; Hereditary breast cancer. Identifiers: Orphanet 227535, MedGen C0346153, MONDO:0016419, OMIM 114480. Disease mechanism: loss of function.
Hereditary breast ovarian cancer syndrome. Also called: Hereditary breast and/or ovarian cancer syndrome; BRCA1- and BRCA2-Associated Hereditary Breast and Ovarian Cancer; Hereditary breast and ovarian cancer; Breast and ovarian cancer; Hereditary breast and ovarian cancer syndrome; Hereditary breast and ovarian cancer syndrome (HBOC). Identifiers: Orphanet 145, MedGen C0677776, MeSH D061325, MONDO:0003582. Disease mechanism: loss of function.

Allele frequency attached by ClinVar (database versions not stated): TOPMed below 0.00001; gnomAD 0.00001; gnomAD exomes 0.00001; ESP Exome Variant Server 0.00008.
gnomAD v4.1: 17 of 1,614,050 alleles (0.0011%); highest among the groups gnomAD compares: Middle Eastern, 0.016%; no homozygotes.

Submissions (9):

Quest Diagnostics Nichols Institute San Juan Capistrano
Classification: Uncertain significance. Last evaluated: 2025-07-16. Review status: criteria provided, single submitter. Criteria: Quest Diagnostics criteria. Collection method: clinical testing. Allele origin: unknown.
Comment: The BRIP1 c.3178G>A (p.Val1060Ile) variant has been reported in the published literature in individuals with breast cancer (PMID: 25186627 (2015), 26921362 (2016), 35402282 (2022), 33471991 (2021), see also LOVD), colorectal cancer (PMID: 32283892 (2020)), and reportedly unaffected individuals (PMID: 33471991 (2021), see also LOVD). The frequency of this variant in the general population (Genome Aggregation Database) is uninformative in the assessment of its pathogenicity. Analysis of this variant using bioinformatics tools for the prediction of the effect of amino acid changes on protein structure and function yielded predictions that this variant is benign. Based on the available information, we are unable to determine the clinical significance of this variant.

Labcorp Genetics (formerly Invitae), Labcorp
Classification: Uncertain significance for Familial cancer of breast; Fanconi anemia complementation group J. Last evaluated: 2025-07-02. Review status: criteria provided, single submitter. Criteria: Invitae Variant Classification Sherloc (09022015). Collection method: clinical testing. Allele origin: germline.
Comment: This sequence change replaces valine, which is neutral and non-polar, with isoleucine, which is neutral and non-polar, at codon 1060 of the BRIP1 protein (p.Val1060Ile). This variant is present in population databases (rs149016505, gnomAD 0.006%). This missense change has been observed in individual(s) with breast cancer or colorectal cancer (PMID: 26921362, 32283892, 35402282). ClinVar contains an entry for this variant (Variation ID: 461140). Invitae Evidence Modeling of protein sequence and biophysical properties (such as structural, functional, and spatial information, amino acid conservation, physicochemical variation, residue mobility, and thermodynamic stability) indicates that this missense variant is not expected to disrupt BRIP1 protein function with a negative predictive value of 95%. In summary, the available evidence is currently insufficient to determine the role of this variant in disease. Therefore, it has been classified as a Variant of Uncertain Significance.

Ambry Genetics
Classification: Uncertain significance for Hereditary cancer-predisposing syndrome. Last evaluated: 2025-06-23. Review status: criteria provided, single submitter. Criteria: Ambry Variant Classification Scheme 2023. Collection method: clinical testing. Allele origin: germline.
Comment: The p.V1060I variant (also known as c.3178G>A), located in coding exon 19 of the BRIP1 gene, results from a G to A substitution at nucleotide position 3178. The valine at codon 1060 is replaced by isoleucine, an amino acid with highly similar properties. This variant has been reported in patients with breast cancer (Tung N et al. Cancer. 2015 Jan;121:25-33; Easton DF et al. J. Med. Genet. 2016 05;53:298-309). This amino acid position is poorly conserved in available vertebrate species. In addition, this alteration is predicted to be tolerated by in silico analysis. Since supporting evidence is limited at this time, the clinical significance of this alteration remains unclear.

Center for Genomic Medicine, Rigshospitalet, Copenhagen University Hospital
Classification: Uncertain significance. Last evaluated: 2025-03-04. Review status: criteria provided, single submitter. Criteria: ACMG Guidelines, 2015. Collection method: clinical testing. Allele origin: germline.

GeneDx
Classification: Uncertain significance. Last evaluated: 2024-12-13. Review status: criteria provided, single submitter. Criteria: GeneDx Variant Classification Process June 2021. Collection method: clinical testing. Allele origin: germline. Affected: yes.
Comment: Not observed at significant frequency in large population cohorts (gnomAD); In silico analysis indicates that this missense variant does not alter protein structure/function; This variant is associated with the following publications: (PMID: 25186627, 11301010, 26921362, 36243179, 32283892, 35402282)

Color Diagnostics, LLC DBA Color Health
Classification: Uncertain significance for Hereditary cancer-predisposing syndrome. Last evaluated: 2024-03-07. Review status: criteria provided, single submitter. Criteria: ACMG Guidelines, 2015. Collection method: clinical testing. Allele origin: germline.
Comment: This missense variant replaces valine with isoleucine at codon 1060 of the BRIP1 protein. Computational prediction suggests that this variant may not impact protein structure and function. To our knowledge, functional studies have not been performed for this variant. This variant has been reported in individuals affected with breast cancer (PMID: 25186627, 26921362, 35402282). This variant has also been identified in 2/251440 chromosomes in the general population by the Genome Aggregation Database (gnomAD). The available evidence is insufficient to determine the role of this variant in disease conclusively. Therefore, this variant is classified as a Variant of Uncertain Significance.

Department of Pathology and Laboratory Medicine, Sinai Health System
Classification: Uncertain significance for Hereditary breast ovarian cancer syndrome. Last evaluated: 2023-09-26. Review status: criteria provided, single submitter. Criteria: ACMG Guidelines, 2015. Collection method: clinical testing. Allele origin: germline. Affected: yes.

Mendelics
Classification: Uncertain significance for Familial cancer of breast. Last evaluated: 2019-05-28. Review status: criteria provided, single submitter. Criteria: Mendelics Assertion Criteria 2017. Collection method: clinical testing. Allele origin: unknown.

Fulgent Genetics
Classification: Uncertain significance for Familial cancer of breast; Fanconi anemia complementation group J. Last evaluated: 2018-10-31. Review status: criteria provided, single submitter. Criteria: ACMG Guidelines, 2015. Collection method: clinical testing. Allele origin: unknown.

Literature cited by the submitters: PubMed 33471991 (cited by Quest Diagnostics Nichols Institute San Juan Capistrano); PubMed 35402282 (cited by 4 submitters); PubMed 32283892 (cited by 3 submitters); PubMed 26921362 (cited by 5 submitters); PubMed 25186627 (cited by 4 submitters).